The following is an entry in ClinVar:

ClinVar aggregate classification (germline): Uncertain significance. Review status: criteria provided, multiple submitters, no conflicts (2 of 4 stars). 5 submissions from 5 submitters: Uncertain significance (4). 1 of the submissions does not count toward it. Last evaluated 2025-03-31.

Conditions:
Microcephaly, normal intelligence and immunodeficiency (NBS). Also called: IMMUNODEFICIENCY, MICROCEPHALY, AND CHROMOSOMAL INSTABILITY; SEEMANOVA SYNDROME II; Immunodeficiency, microcephaly with normal intelligence; Ataxia telangiectasia variant V1; Nijmegen breakage syndrome; Microcephaly with normal intelligence immunodeficiency and lymphoreticular malignancies. Identifiers: Orphanet 647, MedGen C0398791, MONDO:0009623, OMIM 251260.
Hereditary cancer-predisposing syndrome. Also called: Hereditary neoplastic syndrome; Neoplastic Syndromes, Hereditary; Tumor predisposition; Hereditary Cancer Syndrome. Identifiers: Orphanet 140162, MedGen C0027672, MeSH D009386, MONDO:0015356.

Submissions (5):

Ambry Genetics
Classification: Uncertain significance for Hereditary cancer-predisposing syndrome. Last evaluated: 2025-03-31. Review status: criteria provided, single submitter. Criteria: Ambry Variant Classification Scheme 2023. Collection method: clinical testing. Allele origin: germline.
Comment: The p.T692I variant (also known as c.2075C>T), located in coding exon 14 of the NBN gene, results from a C to T substitution at nucleotide position 2075. The threonine at codon 692 is replaced by isoleucine, an amino acid with similar properties. This amino acid position is poorly conserved in available vertebrate species. In addition, this alteration is predicted to be tolerated by in silico analysis. Since supporting evidence is limited at this time, the clinical significance of this alteration remains unclear.

Labcorp Genetics (formerly Invitae), Labcorp
Classification: Uncertain significance for Microcephaly, normal intelligence and immunodeficiency. Last evaluated: 2024-02-24. Review status: criteria provided, single submitter. Criteria: Invitae Variant Classification Sherloc (09022015). Collection method: clinical testing. Allele origin: germline.
Comment: This sequence change replaces threonine, which is neutral and polar, with isoleucine, which is neutral and non-polar, at codon 692 of the NBN protein (p.Thr692Ile). This variant is not present in population databases (gnomAD no frequency). This variant has not been reported in the literature in individuals affected with NBN-related conditions. ClinVar contains an entry for this variant (Variation ID: 411767). An algorithm developed to predict the effect of missense changes on protein structure and function (PolyPhen-2) suggests that this variant is likely to be tolerated. In summary, the available evidence is currently insufficient to determine the role of this variant in disease. Therefore, it has been classified as a Variant of Uncertain Significance.

Genome-Nilou Lab
Classification: Uncertain significance for Microcephaly, normal intelligence and immunodeficiency. Last evaluated: 2021-11-07. Review status: criteria provided, single submitter. Criteria: ACMG Guidelines, 2015. Collection method: clinical testing. Allele origin: germline. Affected: no.

GeneDx
Classification: Uncertain significance. Last evaluated: 2020-08-10. Review status: criteria provided, single submitter. Criteria: GeneDx Variant Classification Process June 2021. Collection method: clinical testing. Allele origin: germline. Affected: yes.
Comment: Not observed in large population cohorts (Lek 2016); In silico analysis supports that this missense variant does not alter protein structure/function; Has not been previously published as pathogenic or benign to our knowledge

Natera, Inc.
Classification: Uncertain significance for Nijmegen breakage syndrome. Last evaluated: 2021-04-21. Review status: no assertion criteria provided. Collection method: clinical testing. Allele origin: germline. Not counted in ClinVar's aggregate classification.

NM_002485.5(NBN):c.2075C>T (p.Thr692Ile)

Gene: NBN (nibrin; minus strand). Cytogenetic location: 8q21.3.
Variant type: single nucleotide variant.
Coding change: c.2075C>T on transcript NM_002485.5 (MANE Select); coding-DNA position 2075, C replaced by T.
Protein change: p.Thr692Ile; replaces threonine 692 with isoleucine.
Molecular consequence: missense variant.
Genome position (GRCh38, 1-based): chr8:89,943,362, G>A on the plus strand (C>T on the coding strand, the complement: NBN is on the minus strand). VCF-style: chr8-89943362-G-A. GRCh37 (hg19) VCF-style: chr8-90955590-G-A.
Other names: c.1829C>T, p.Thr610Ile (NM_001024688.3); short protein forms T692I, T610I.
Identifiers: ClinVar variation 411767 (VCV000411767.27), dbSNP rs1060503474, ClinGen allele CA16612649.